The following is an entry in ClinVar:

ClinVar aggregate classification (germline): Uncertain significance (1 of 4 stars; one submission).

Allele frequency attached by ClinVar (database versions not stated): gnomAD 0.00001; TOPMed 0.00001.
gnomAD v4.1: 1 of 1,614,052 alleles (0.000062%); highest among the groups gnomAD compares: African/African-American, 0.0013%; no homozygotes.

Submission:

Labcorp Genetics (formerly Invitae), Labcorp
Classification: Uncertain significance. Last evaluated: 2022-02-28. Review status: criteria provided, single submitter. Criteria: Invitae Variant Classification Sherloc (09022015). Collection method: clinical testing. Allele origin: germline.
Comment: In summary, the available evidence is currently insufficient to determine the role of this variant in disease. Therefore, it has been classified as a Variant of Uncertain Significance. Algorithms developed to predict the effect of missense changes on protein structure and function (SIFT, PolyPhen-2, Align-GVGD) all suggest that this variant is likely to be tolerated. This variant has not been reported in the literature in individuals affected with LPIN1-related conditions. This variant is not present in population databases (gnomAD no frequency). This sequence change replaces glutamine, which is neutral and polar, with glutamic acid, which is acidic and polar, at codon 587 of the LPIN1 protein (p.Gln587Glu).

NM_001349206.2(LPIN1):c.1867C>G (p.Gln623Glu)

Gene: LPIN1 (lipin 1; plus strand). Cytogenetic location: 2p25.1.
Variant type: single nucleotide variant.
Coding change: c.1867C>G on transcript NM_001349206.2 (MANE Select); coding-DNA position 1867, C replaced by G.
Protein change: p.Gln623Glu; replaces glutamine 623 with glutamic acid.
Molecular consequence: missense variant. On other transcripts: non-coding transcript variant (1).
Genome position (GRCh38, 1-based): chr2:11,795,468, C>G. VCF-style: chr2-11795468-C-G. GRCh37 (hg19) VCF-style: chr2-11935594-C-G.
Other names: c.1777C>G, p.Gln593Glu (NM_001261427.3); c.2014C>G, p.Gln672Glu (NM_001261428.3); c.1759C>G, p.Gln587Glu (NM_001349199.2, NM_145693.4); c.1837C>G, p.Gln613Glu (NM_001349200.2, NM_001349201.2); c.1864C>G, p.Gln622Glu (NM_001349202.2, NM_001349203.2); c.1867C>G, p.Gln623Glu (NM_001349204.2, NM_001349205.2); c.1957C>G, p.Gln653Glu (NM_001349207.2); c.1906C>G, p.Gln636Glu (NM_001349208.2); short protein forms Q593E, Q623E, Q653E, Q672E, Q587E, Q636E, Q613E, Q622E.
Identifiers: ClinVar variation 1958374 (VCV001958374.5), dbSNP rs1310713346, ClinGen allele CA345851888.